The following is an entry in ClinVar:

NM_000321.3(RB1):c.-118G>A

Gene: RB1 (RB transcriptional corepressor 1; plus strand). Cytogenetic location: 13q14.2.
Variant type: single nucleotide variant.
Coding change: c.-118G>A on transcript NM_000321.3 (MANE Select); 118 bases upstream of the start codon, G replaced by A.
Molecular consequence: 5 prime UTR variant.
Genome position (GRCh38, 1-based): chr13:48,303,795, G>A. VCF-style: chr13-48303795-G-A. GRCh37 (hg19) VCF-style: chr13-48877931-G-A.
Other names: c.-118G>A (NM_001407165.1, NM_001407166.1, NM_001407167.1).
Identifiers: ClinVar variation 3693205 (VCV003693205.2).

ClinVar aggregate classification (germline): Uncertain significance (1 of 4 stars; one submission).

Conditions:
Retinoblastoma (RB1). Also called: RETINOBLASTOMA, SOMATIC. Identifiers: Orphanet 790, MedGen C0035335, MeSH D012175, MONDO:0008380, OMIM 180200, HP:0009919. Disease mechanism: loss of function. Inheritance: Both sporadic and heritable forms are tested..

gnomAD v4.1: 4 of 1,420,270 alleles (0.00028%); highest among the groups gnomAD compares: Non-Finnish European, 0.00037%; no homozygotes.

Submission:

Labcorp Genetics (formerly Invitae), Labcorp
Classification: Uncertain significance for Retinoblastoma. Last evaluated: 2025-09-16. Review status: criteria provided, single submitter. Criteria: Invitae Variant Classification Sherloc (09022015). Collection method: clinical testing. Allele origin: germline.
Comment: This variant occurs in a non-coding region of the RB1 gene. It does not change the encoded amino acid sequence of the RB1 protein. This variant is not present in population databases (gnomAD no frequency). This variant has not been reported in the literature in individuals affected with RB1-related conditions. ClinVar contains an entry for this variant (Variation ID: 3693205). In summary, the available evidence is currently insufficient to determine the role of this variant in disease. Therefore, it has been classified as a Variant of Uncertain Significance.